The following is an entry in ClinVar:

ClinVar aggregate classification (germline): Uncertain significance (1 of 4 stars; one submission).

gnomAD v4.1: 12 of 1,614,036 alleles (0.00074%); highest among the groups gnomAD compares: East Asian, 0.025%; no homozygotes.

Submission:

GeneDx
Classification: Uncertain significance. Last evaluated: 2023-10-31. Review status: criteria provided, single submitter. Criteria: GeneDx Variant Classification Process June 2021. Collection method: clinical testing. Allele origin: germline. Affected: yes.
Comment: In silico analysis supports that this missense variant does not alter protein structure/function; Has not been previously published as pathogenic or benign to our knowledge

NM_016343.4(CENPF):c.4519T>C (p.Ser1507Pro)

Gene: CENPF (centromere protein F; plus strand). Cytogenetic location: 1q41.
Variant type: single nucleotide variant.
Coding change: c.4519T>C on transcript NM_016343.4 (MANE Select); coding-DNA position 4519, T replaced by C.
Protein change: p.Ser1507Pro; replaces serine 1507 with proline.
Molecular consequence: missense variant.
Genome position (GRCh38, 1-based): chr1:214,642,857, T>C. VCF-style: chr1-214642857-T-C. GRCh37 (hg19) VCF-style: chr1-214816200-T-C.
Other names: short protein forms S1507P.
Identifiers: ClinVar variation 3363546 (VCV003363546.1).